The following is an entry in ClinVar:

NM_030665.4(RAI1):c.517G>A (p.Val173Ile)

Gene: RAI1 (retinoic acid induced 1; plus strand). Cytogenetic location: 17p11.2.
Variant type: single nucleotide variant.
Coding change: c.517G>A on transcript NM_030665.4 (MANE Select); coding-DNA position 517, G replaced by A.
Protein change: p.Val173Ile; replaces valine 173 with isoleucine.
Molecular consequence: missense variant.
Genome position (GRCh38, 1-based): chr17:17,793,465, G>A. VCF-style: chr17-17793465-G-A. GRCh37 (hg19) VCF-style: chr17-17696779-G-A.
Other names: short protein forms V173I.
Identifiers: ClinVar variation 1215695 (VCV001215695.11), dbSNP rs573327073, ClinGen allele CA8418142.

ClinVar aggregate classification (germline): Conflicting classifications of pathogenicity. Review status: criteria provided, conflicting classifications (1 of 4 stars). 4 submissions from 4 submitters: Uncertain significance (1); Likely benign (3). Last evaluated 2025-12-21.

Conditions:
RAI1-related disorder. Also called: RAI1-related condition.
Inborn genetic diseases. Identifiers: MedGen C0950123, MeSH D030342.

Allele frequency attached by ClinVar (database versions not stated): gnomAD exomes 0.00005; ExAC 0.00011; 1000 Genomes Project 30x 0.00016; 1000 Genomes Project 0.00020.
gnomAD v4.1: 90 of 1,613,398 alleles (0.0056%); highest among the groups gnomAD compares: Admixed American, 0.025%; no homozygotes.

Submissions (4):

Labcorp Genetics (formerly Invitae), Labcorp
Classification: Uncertain significance. Last evaluated: 2025-12-21. Review status: criteria provided, single submitter. Criteria: Invitae Variant Classification Sherloc (09022015). Collection method: clinical testing. Allele origin: germline.
Comment: This sequence change replaces valine, which is neutral and non-polar, with isoleucine, which is neutral and non-polar, at codon 173 of the RAI1 protein (p.Val173Ile). This variant is present in population databases (rs573327073, gnomAD 0.03%), and has an allele count higher than expected for a pathogenic variant. This variant has not been reported in the literature in individuals affected with RAI1-related conditions. ClinVar contains an entry for this variant (Variation ID: 1215695). Invitae Evidence Modeling of protein sequence and biophysical properties (such as structural, functional, and spatial information, amino acid conservation, physicochemical variation, residue mobility, and thermodynamic stability) indicates that this missense variant is not expected to disrupt RAI1 protein function with a negative predictive value of 80%. In summary, the available evidence is currently insufficient to determine the role of this variant in disease. Therefore, it has been classified as a Variant of Uncertain Significance.

Ambry Genetics
Classification: Likely benign for Inborn genetic diseases. Last evaluated: 2024-06-17. Review status: criteria provided, single submitter. Criteria: Ambry Variant Classification Scheme 2023. Collection method: clinical testing. Allele origin: germline.

PreventionGenetics, part of Exact Sciences
Classification: Likely benign for RAI1-related condition. Last evaluated: 2022-09-08. Review status: criteria provided, single submitter. Criteria: ACMG Guidelines, 2015. Collection method: clinical testing. Allele origin: germline.
Comment: This variant is classified as likely benign based on ACMG/AMP sequence variant interpretation guidelines (Richards et al. 2015 PMID: 25741868, with internal and published modifications).

GeneDx
Classification: Likely benign. Last evaluated: 2021-01-12. Review status: criteria provided, single submitter. Criteria: GeneDx Variant Classification Process June 2021. Collection method: clinical testing. Allele origin: germline. Affected: yes.